The following is an entry in ClinVar:

NM_001013703.4(EIF2AK4):c.1392del (p.Arg465fs)

Gene: EIF2AK4 (eukaryotic translation initiation factor 2 alpha kinase 4; plus strand). Cytogenetic location: 15q15.1.
Variant type: Deletion.
Coding change: c.1392del on transcript NM_001013703.4 (MANE Select); coding-DNA position 1392, one base deleted (T; older notation c.1392delT).
Protein change: p.Arg465fs; shifts the reading frame from arginine 465.
Molecular consequence: frameshift variant.
Genome position (GRCh38, 1-based): chr15:39,967,718, T deleted; the last of 2 consecutive T bases (chr15:39,967,717-39,967,718); deleting either gives the same sequence. VCF-style (leftmost placement, unchanged base first): chr15-39967716-GT-G. GRCh37 (hg19) VCF-style: chr15-40259917-GT-G.
Other names: c.1392delT (NM_001013703.2, NM_001013703.3); c.1392del (NM_001013703.3); short protein forms R465fs.
Identifiers: ClinVar variation 97064 (VCV000097064.5), dbSNP rs587777102, ClinGen allele CA149751.

ClinVar aggregate classification (germline): Pathogenic. Review status: criteria provided, multiple submitters, no conflicts (2 of 4 stars). 5 submissions from 5 submitters: Pathogenic (3). 2 of the submissions do not count toward it. Last evaluated 2024-03-20.

Conditions:
EIF2AK4-related disorders.
Familial pulmonary capillary hemangiomatosis (PVOD2). Also called: Pulmonary venoocclusive disease 2, autosomal recessive; Pulmonary venoocclusive disease 2. Identifiers: Orphanet 199241, MedGen C0340848, MONDO:0009329, OMIM 234810.

Submissions (5):

GeneDx
Classification: Pathogenic. Last evaluated: 2024-03-20. Review status: criteria provided, single submitter. Criteria: GeneDx Variant Classification Process June 2021. Collection method: clinical testing. Allele origin: germline. Affected: yes.
Comment: Frameshift variant predicted to result in protein truncation or nonsense mediated decay in a gene for which loss of function is a known mechanism of disease; Not observed at a significant frequency in large population cohorts (gnomAD); This variant is associated with the following publications: (PMID: 24292273, 27684876, 36653758, 36451176, 30285736, 24135949, 28972005, 32581362, 24784157)

Blueprint Genetics
Classification: Pathogenic for EIF2AK4-related disorders. Last evaluated: 2023-09-09. Review status: criteria provided, single submitter. Criteria: ACMG Guidelines, 2015. Collection method: clinical testing. Allele origin: germline. Affected: yes. Observed: 4 variant alleles.

Johns Hopkins Genomics, Johns Hopkins University
Classification: Pathogenic for Familial pulmonary capillary hemangiomatosis. Last evaluated: 2022-09-14. Review status: criteria provided, single submitter. Criteria: ACMG Guidelines, 2015. Collection method: clinical testing. Allele origin: germline.
Comment: This EIF2AK4 variant has been reported in individuals and families with pulmonary venoocclusive disease or pulmonary capillary hemangiomatosis. The variant (rs587777102) is rare (<0.1%) in a large population dataset (gnomAD v3.1.2: 8/152172 total alleles; 0.00526%; no homozygotes). It has been reported in ClinVar (Variation ID 97064). This frameshift variant results in a premature stop codon in exon 9 of 39, likely leading to nonsense-mediated decay and lack of protein production. We consider c.1392delT in EIF2AK4 to be pathogenic.

OMIM
Classification: Pathogenic for PULMONARY VENOOCCLUSIVE DISEASE 2. Last evaluated: 2014-02-01. Review status: no assertion criteria provided. Collection method: literature only. Allele origin: germline. Not counted in ClinVar's aggregate classification.

NIHR Bioresource Rare Diseases, University of Cambridge
Classification: Likely pathogenic for Familial pulmonary capillary hemangiomatosis. Review status: no assertion criteria provided. Collection method: research. Allele origin: unknown. Affected: yes. Observed: 1 variant allele. Not counted in ClinVar's aggregate classification.

Literature cited by the submitters: PubMed 24135949 (cited by Johns Hopkins Genomics, Johns Hopkins University and OMIM); PubMed 24292273 (cited by Johns Hopkins Genomics, Johns Hopkins University and OMIM); PubMed 27684876 (cited by Johns Hopkins Genomics, Johns Hopkins University); PubMed 30285736 (cited by Johns Hopkins Genomics, Johns Hopkins University); PubMed 32581362 (cited by Johns Hopkins Genomics, Johns Hopkins University and NIHR Bioresource Rare Diseases, University of Cambridge).